The following is an entry in ClinVar:

NM_001384732.1(CPLANE1):c.4793C>A (p.Thr1598Lys)

Gene: CPLANE1 (ciliogenesis and planar polarity effector complex subunit 1; minus strand). Cytogenetic location: 5p13.2.
Variant type: single nucleotide variant.
Coding change: c.4793C>A on transcript NM_001384732.1 (MANE Select); coding-DNA position 4793, C replaced by A.
Protein change: p.Thr1598Lys; replaces threonine 1598 with lysine.
Molecular consequence: missense variant.
Genome position (GRCh38, 1-based): chr5:37,183,388, G>T on the plus strand (C>A on the coding strand, the complement: CPLANE1 is on the minus strand). VCF-style: chr5-37183388-G-T. GRCh37 (hg19) VCF-style: chr5-37183490-G-T.
Other names: c.4793C>A, p.Thr1598Lys (NM_023073.4); short protein forms T1598K.
Identifiers: ClinVar variation 506803 (VCV000506803.59), dbSNP rs147588579, ClinGen allele CA3238648.

ClinVar aggregate classification (germline): Conflicting classifications of pathogenicity. Review status: criteria provided, conflicting classifications (1 of 4 stars). 9 submissions from 9 submitters: Uncertain significance (2); Benign (1); Likely benign (3). 3 of the submissions do not count toward it. Last evaluated 2026-03-01.

Conditions:
Joubert syndrome 17 (JBTS17). Identifiers: Orphanet 475, MedGen C3553264, MONDO:0013824, OMIM 614615.
CPLANE1-related disorder. Also called: CPLANE1-related condition.

Allele frequency attached by ClinVar (database versions not stated): ESP Exome Variant Server 0.00023; gnomAD 0.00048; TOPMed 0.00065; 1000 Genomes Project 30x 0.00094; 1000 Genomes Project 0.00100; ExAC 0.00158.
gnomAD v4.1: 1,485 of 1,613,196 alleles (0.092%); highest among the groups gnomAD compares: Middle Eastern, 1.4%; 15 homozygotes.

Submissions (9):

CeGaT Center for Human Genetics Tuebingen
Classification: Likely benign. Last evaluated: 2026-03-01. Review status: criteria provided, single submitter. Criteria: CeGaT Center For Human Genetics Tuebingen Variant Classification Criteria Version 2. Collection method: clinical testing. Allele origin: germline. Affected: yes. Observed: 8 variant alleles.
Comment: CPLANE1: BP4, BS2

Labcorp Genetics (formerly Invitae), Labcorp
Classification: Benign. Last evaluated: 2026-01-28. Review status: criteria provided, single submitter. Criteria: Invitae Variant Classification Sherloc (09022015). Collection method: clinical testing. Allele origin: germline.

Blueprint Genetics
Classification: Likely benign. Last evaluated: 2024-11-22. Review status: criteria provided, single submitter. Criteria: ACMG Guidelines, 2015. Collection method: clinical testing. Allele origin: germline.

Revvity Omics, Revvity
Classification: Uncertain significance. Last evaluated: 2022-06-13. Review status: criteria provided, single submitter. Criteria: ACMG Guidelines, 2015. Collection method: clinical testing. Allele origin: germline.

GeneDx
Classification: Likely benign. Last evaluated: 2018-04-16. Review status: criteria provided, single submitter. Criteria: GeneDx Variant Classification Process June 2021. Collection method: clinical testing. Allele origin: germline. Affected: yes.
Comment: This variant is associated with the following publications: (PMID: 26096313)

Illumina Laboratory Services, Illumina
Classification: Uncertain significance for Joubert syndrome 17. Last evaluated: 2017-04-27. Review status: criteria provided, single submitter. Criteria: ICSL Variant Classification Criteria 13 December 2019. Collection method: clinical testing. Allele origin: germline.
Comment: This variant was observed as part of a predisposition screen in an ostensibly healthy population. A literature search was performed for the gene, cDNA change, and amino acid change (where applicable). Publications were found based on this search. However, the evidence from the literature, in combination with allele frequency data from public databases where available, was not sufficient to rule this variant in or out of causing disease. Therefore, this variant is classified as a variant of unknown significance.

PreventionGenetics, part of Exact Sciences
Classification: Benign for CPLANE1-related condition. Last evaluated: 2019-07-10. Review status: no assertion criteria provided. Collection method: clinical testing. Allele origin: germline. Not counted in ClinVar's aggregate classification.
Comment: This variant is classified as benign based on ACMG/AMP sequence variant interpretation guidelines (Richards et al. 2015 PMID: 25741868, with internal and published modifications).

Clinical Genetics DNA and cytogenetics Diagnostics Lab, Erasmus MC, Erasmus Medical Center
Classification: Uncertain significance. Review status: no assertion criteria provided. Collection method: clinical testing. Allele origin: germline. Affected: yes. Study: VKGL Data-share Consensus. Not counted in ClinVar's aggregate classification.

Laboratory of Diagnostic Genome Analysis, Leiden University Medical Center (LUMC)
Classification: Uncertain significance. Review status: no assertion criteria provided. Collection method: clinical testing. Allele origin: germline. Affected: yes. Study: VKGL Data-share Consensus. Not counted in ClinVar's aggregate classification.

Literature cited by the submitters: PubMed 26096313 (cited by Illumina Laboratory Services, Illumina).